The following is an entry in ClinVar:

ClinVar aggregate classification (germline): Benign/Likely benign. Review status: criteria provided, multiple submitters, no conflicts (2 of 4 stars). 4 submissions from 4 submitters: Benign (2); Likely benign (2). Last evaluated 2026-01-24.

Allele frequency attached by ClinVar (database versions not stated): gnomAD exomes 0.00022 and 0.00051; ExAC 0.00063; gnomAD 0.00252 and 0.00268; TOPMed 0.00258; ESP Exome Variant Server 0.00284; 1000 Genomes Project 0.00379; 1000 Genomes Project 30x 0.00390.
gnomAD v4.1: 735 of 1,614,170 alleles (0.046%); highest among the groups gnomAD compares: African/African-American, 0.87%; 3 homozygotes.

Submissions (4):

Labcorp Genetics (formerly Invitae), Labcorp
Classification: Benign. Last evaluated: 2026-01-24. Review status: criteria provided, single submitter. Criteria: Invitae Variant Classification Sherloc (09022015). Collection method: clinical testing. Allele origin: germline.

Blueprint Genetics
Classification: Likely benign. Last evaluated: 2024-11-13. Review status: criteria provided, single submitter. Criteria: ACMG Guidelines, 2015. Collection method: clinical testing. Allele origin: germline.

CeGaT Center for Human Genetics Tuebingen
Classification: Likely benign. Last evaluated: 2024-09-01. Review status: criteria provided, single submitter. Criteria: CeGaT Center For Human Genetics Tuebingen Variant Classification Criteria Version 2. Collection method: clinical testing. Allele origin: germline. Affected: yes. Observed: 1 variant allele.
Comment: RUSC2: BP4

Breakthrough Genomics
Classification: Benign. Review status: criteria provided, single submitter. Criteria: ACMG Guidelines, 2015. Collection method: not provided. Allele origin: germline. Inheritance: Autosomal recessive inheritance. Affected: yes.

NM_014806.5(RUSC2):c.1272C>T (p.His424=)

Gene: RUSC2 (RUN and SH3 domain containing 2; plus strand). Cytogenetic location: 9p13.3.
Variant type: single nucleotide variant.
Coding change: c.1272C>T on transcript NM_014806.5 (MANE Select); coding-DNA position 1272, C replaced by T.
Protein change: p.His424=; no amino-acid change (histidine 424 retained).
Molecular consequence: synonymous variant. On other transcripts: non-coding transcript variant (1), intron variant (1).
Genome position (GRCh38, 1-based): chr9:35,547,793, C>T. VCF-style: chr9-35547793-C-T. GRCh37 (hg19) VCF-style: chr9-35547790-C-T.
Other names: c.1272C>T, p.His424= (NM_001135999.2); c.-620-7267C>T (NM_001330740.2).
Identifiers: ClinVar variation 792125 (VCV000792125.25), dbSNP rs149371934, ClinGen allele CA5043606.